The following is an entry in ClinVar:

NM_022098.4(XPNPEP3):c.590-9C>T

Gene: XPNPEP3 (X-prolyl aminopeptidase 3; plus strand). Cytogenetic location: 22q13.2.
Variant type: single nucleotide variant.
Coding change: c.590-9C>T on transcript NM_022098.4 (MANE Select); 9 bases into the intron before coding-DNA position 590, C replaced by T.
Molecular consequence: intron variant.
Genome position (GRCh38, 1-based): chr22:40,886,304, C>T. VCF-style: chr22-40886304-C-T. GRCh37 (hg19) VCF-style: chr22-41282308-C-T.
Identifiers: ClinVar variation 695441 (VCV000695441.16), dbSNP rs149370388, ClinGen allele CA10251678.

ClinVar aggregate classification (germline): Benign/Likely benign. Review status: criteria provided, multiple submitters, no conflicts (2 of 4 stars). 4 submissions from 4 submitters: Benign (3); Likely benign (1). Last evaluated 2026-01-08.

Conditions:
Nephronophthisis-like nephropathy 1 (NPHPL1). Identifiers: Orphanet 655, MedGen C3150419, MONDO:0013163, OMIM 613159.

Allele frequency attached by ClinVar (database versions not stated): gnomAD exomes 0.00051 and 0.00132; ExAC 0.00157; ESP Exome Variant Server 0.00408; gnomAD 0.00438 and 0.00467; TOPMed 0.00459; 1000 Genomes Project 0.00619; 1000 Genomes Project 30x 0.00625.
gnomAD v4.1: 1,457 of 1,613,724 alleles (0.09%); highest among the groups gnomAD compares: African/African-American, 1.6%; 9 homozygotes.

Submissions (4):

Labcorp Genetics (formerly Invitae), Labcorp
Classification: Benign for Nephronophthisis-like nephropathy 1. Last evaluated: 2026-01-08. Review status: criteria provided, single submitter. Criteria: Invitae Variant Classification Sherloc (09022015). Collection method: clinical testing. Allele origin: germline.

Genomic Medicine Center of Excellence, King Faisal Specialist Hospital and Research Centre
Classification: Likely benign. Last evaluated: 2025-08-18. Review status: criteria provided, single submitter. Criteria: ACMG Guidelines, 2015. Collection method: clinical testing. Allele origin: germline.

Illumina Laboratory Services, Illumina
Classification: Benign for Nephronophthisis-like nephropathy 1. Last evaluated: 2018-01-13. Review status: criteria provided, single submitter. Criteria: ICSL Variant Classification Criteria 13 December 2019. Collection method: clinical testing. Allele origin: germline.
Comment: This variant was observed in the ICSL laboratory as part of a predisposition screen in an ostensibly healthy population. It had not been previously curated by ICSL or reported in the Human Gene Mutation Database (HGMD: prior to June 1st, 2018), and was therefore a candidate for classification through an automated scoring system. Utilizing variant allele frequency, disease prevalence and penetrance estimates, and inheritance mode, an automated score was calculated to assess if this variant is too frequent to cause the disease. Based on the score and internal cut-off values, a variant classified as benign is not then subjected to further curation. The score for this variant resulted in a classification of benign for this disease.

Breakthrough Genomics
Classification: Benign. Review status: criteria provided, single submitter. Criteria: ACMG Guidelines, 2015. Collection method: not provided. Allele origin: germline. Inheritance: Autosomal recessive inheritance. Affected: yes.